The following is an entry in ClinVar:

NM_007192.4(SUPT16H):c.2437A>G (p.Ser813Gly)

Gene: SUPT16H (SPT16 homolog, facilitates chromatin remodeling subunit; minus strand). Cytogenetic location: 14q11.2.
Variant type: single nucleotide variant.
Coding change: c.2437A>G on transcript NM_007192.4 (MANE Select); coding-DNA position 2437, A replaced by G.
Protein change: p.Ser813Gly; replaces serine 813 with glycine.
Molecular consequence: missense variant.
Genome position (GRCh38, 1-based): chr14:21,357,980, T>C on the plus strand (A>G on the coding strand, the complement: SUPT16H is on the minus strand). VCF-style: chr14-21357980-T-C. GRCh37 (hg19) VCF-style: chr14-21826139-T-C.
Other names: short protein forms S813G.
Identifiers: ClinVar variation 4528038 (VCV004528038.1).

ClinVar aggregate classification (germline): Uncertain significance (1 of 4 stars; one submission).

Submission:

GeneDx
Classification: Uncertain significance. Last evaluated: 2025-05-02. Review status: criteria provided, single submitter. Criteria: GeneDx Variant Classification Process June 2021. Collection method: clinical testing. Allele origin: germline. Affected: yes.
Comment: Not observed at significant frequency in large population cohorts (gnomAD); In silico analysis supports that this missense variant has a deleterious effect on protein structure/function; Has not been previously published as pathogenic or benign to our knowledge